The following is an entry in ClinVar:

NM_000222.3(KIT):c.2905C>T (p.Pro969Ser)

Gene: KIT (KIT proto-oncogene, receptor tyrosine kinase; plus strand). Cytogenetic location: 4q12.
Variant type: single nucleotide variant.
Coding change: c.2905C>T on transcript NM_000222.3 (MANE Select); coding-DNA position 2905, C replaced by T.
Protein change: p.Pro969Ser; replaces proline 969 with serine.
Molecular consequence: missense variant.
Genome position (GRCh38, 1-based): chr4:54,738,531, C>T. VCF-style: chr4-54738531-C-T. GRCh37 (hg19) VCF-style: chr4-55604697-C-T.
Other names: c.2893C>T, p.Pro965Ser (NM_001093772.2, NM_001385292.1); c.2908C>T, p.Pro970Ser (NM_001385284.1); c.2902C>T, p.Pro968Ser (NM_001385285.1); c.2890C>T, p.Pro964Ser (NM_001385286.1); c.2896C>T, p.Pro966Ser (NM_001385288.1); c.2905C>T, p.Pro969Ser (NM_001385290.1); short protein forms P965S, P969S, P964S, P966S, P968S, P970S.
Identifiers: ClinVar variation 959900 (VCV000959900.11), dbSNP rs1723061048, ClinGen allele CA356916539.
Genomic context (GRCh38, chr4:54,738,531, plus strand): 5'-CCCGTGGTAGACCATTCTGTGCGGATCAATTCTGTCGGCAGCACCGCTTCCTCCTCCCAG[C>T]CTCTGCTTGTGCACGACGATGTCTGAGCAGAATCAGTGTTTGGGTCACCCCTCCAGGAAT-3'
Protein context (NP_000213.1, residues 959-976): SVGSTASSSQ[Pro969Ser]LLVHDDV

ClinVar aggregate classification (germline): Uncertain significance. Review status: criteria provided, multiple submitters, no conflicts (2 of 4 stars). 2 submissions from 2 submitters: Uncertain significance (2). Last evaluated 2025-06-06.

Conditions:
Hereditary cancer-predisposing syndrome. Also called: Hereditary neoplastic syndrome; Neoplastic Syndromes, Hereditary; Hereditary Cancer Syndrome; Tumor predisposition. Identifiers: Orphanet 140162, MedGen C0027672, MeSH D009386, MONDO:0015356.
Gastrointestinal stromal tumor. Also called: Gastrointestinal stromal tumor, somatic; Gastrointestinal stroma tumor. Identifiers: Orphanet 44890, MedGen C0238198, MeSH D046152, MONDO:0011719, OMIM 606764, HP:0100723.

Submissions (2):

Labcorp Genetics (formerly Invitae), Labcorp
Classification: Uncertain significance for Gastrointestinal stromal tumor. Last evaluated: 2025-06-06. Review status: criteria provided, single submitter. Criteria: Invitae Variant Classification Sherloc (09022015). Collection method: clinical testing. Allele origin: germline.
Comment: This sequence change replaces proline, which is neutral and non-polar, with serine, which is neutral and polar, at codon 969 of the KIT protein (p.Pro969Ser). This variant is not present in population databases (gnomAD no frequency). This variant has not been reported in the literature in individuals affected with KIT-related conditions. ClinVar contains an entry for this variant (Variation ID: 959900). An algorithm developed to predict the effect of missense changes on protein structure and function (PolyPhen-2) suggests that this variant is likely to be disruptive. In summary, the available evidence is currently insufficient to determine the role of this variant in disease. Therefore, it has been classified as a Variant of Uncertain Significance.

Ambry Genetics
Classification: Uncertain significance for Hereditary cancer-predisposing syndrome. Last evaluated: 2024-12-14. Review status: criteria provided, single submitter. Criteria: Ambry Variant Classification Scheme 2023. Collection method: clinical testing. Allele origin: germline.
Comment: The p.P969S variant (also known as c.2905C>T), located in coding exon 21 of the KIT gene, results from a C to T substitution at nucleotide position 2905. The proline at codon 969 is replaced by serine, an amino acid with similar properties. This amino acid position is conserved. In addition, the in silico prediction for this alteration is inconclusive. Based on the available evidence, the clinical significance of this variant remains unclear.